The following is an entry in ClinVar:

ClinVar aggregate classification (germline): Uncertain significance (1 of 4 stars; one submission).

Conditions:
Severe early-onset pulmonary alveolar proteinosis due to MARS deficiency. Also called: PULMONARY ALVEOLAR PROTEINOSIS, REUNION ISLAND; Interstitial lung and liver disease. Identifiers: Orphanet 440427, MedGen C4225400, MONDO:0014206, OMIM 615486.
Charcot-Marie-Tooth disease axonal type 2U. Also called: CHARCOT-MARIE-TOOTH NEUROPATHY, TYPE 2U; CHARCOT-MARIE-TOOTH DISEASE, AXONAL, AUTOSOMAL DOMINANT, TYPE 2U. Identifiers: Orphanet 397735, MedGen C4084821, MONDO:0014566, OMIM 616280.

Allele frequency attached by ClinVar (database versions not stated): gnomAD 0.00001; TOPMed 0.00001; gnomAD exomes 0.00002.
gnomAD v4.1: 23 of 1,613,866 alleles (0.0014%); highest among the groups gnomAD compares: Non-Finnish European, 0.0019%; no homozygotes.

Submission:

Labcorp Genetics (formerly Invitae), Labcorp
Classification: Uncertain significance for Charcot-Marie-Tooth disease axonal type 2U; Severe early-onset pulmonary alveolar proteinosis due to MARS deficiency. Last evaluated: 2022-10-03. Review status: criteria provided, single submitter. Criteria: Invitae Variant Classification Sherloc (09022015). Collection method: clinical testing. Allele origin: germline.
Comment: This variant has not been reported in the literature in individuals affected with MARS-related conditions. In summary, the available evidence is currently insufficient to determine the role of this variant in disease. Therefore, it has been classified as a Variant of Uncertain Significance. Algorithms developed to predict the effect of missense changes on protein structure and function are either unavailable or do not agree on the potential impact of this missense change (SIFT: "Deleterious"; PolyPhen-2: "Benign"; Align-GVGD: "Class C0"). This variant is present in population databases (no rsID available, gnomAD 0.0009%). This sequence change replaces proline, which is neutral and non-polar, with leucine, which is neutral and non-polar, at codon 248 of the MARS protein (p.Pro248Leu).

NM_004990.4(MARS1):c.743C>T (p.Pro248Leu)

Gene: MARS1 (methionyl-tRNA synthetase 1; plus strand). Cytogenetic location: 12q13.3.
Variant type: single nucleotide variant.
Coding change: c.743C>T on transcript NM_004990.4 (MANE Select); coding-DNA position 743, C replaced by T.
Protein change: p.Pro248Leu; replaces proline 248 with leucine.
Molecular consequence: missense variant.
Genome position (GRCh38, 1-based): chr12:57,490,617, C>T. VCF-style: chr12-57490617-C-T. GRCh37 (hg19) VCF-style: chr12-57884400-C-T.
Other names: short protein forms P248L.
Identifiers: ClinVar variation 2158239 (VCV002158239.4), dbSNP rs1349993457, ClinGen allele CA385492969.